The following is an entry in ClinVar:

NM_145698.5(ACBD5):c.1210A>G (p.Arg404Gly)

Gene: ACBD5 (acyl-CoA binding domain containing 5; minus strand). Cytogenetic location: 10p12.1.
Variant type: single nucleotide variant.
Coding change: c.1210A>G on transcript NM_145698.5 (MANE Select); coding-DNA position 1210, A replaced by G.
Protein change: p.Arg404Gly; replaces arginine 404 with glycine.
Molecular consequence: missense variant.
Genome position (GRCh38, 1-based): chr10:27,208,440, T>C on the plus strand (A>G on the coding strand, the complement: ACBD5 is on the minus strand). VCF-style: chr10-27208440-T-C. GRCh37 (hg19) VCF-style: chr10-27497369-T-C.
Other names: c.1051A>G, p.Arg351Gly (NM_001352580.2); c.1039A>G, p.Arg347Gly (NM_001352581.1); c.901A>G, p.Arg301Gly (NM_001352582.2); c.883A>G, p.Arg295Gly (NM_001352583.1, NM_001352584.1, NM_001301251.2 and 2 more transcripts); c.916A>G, p.Arg306Gly (NM_001352585.1); c.1033A>G, p.Arg345Gly (NM_001352586.1); c.1000A>G, p.Arg334Gly (NM_001352587.1); c.1006A>G, p.Arg336Gly (NM_001352588.1); and 10 more; short protein forms R334G, R380G, R397G, R411G, R415G, R295G, R336G, R227G.
Identifiers: ClinVar variation 1378547 (VCV001378547.6), dbSNP rs2136973066, ClinGen allele CA376373650.

ClinVar aggregate classification (germline): Uncertain significance (1 of 4 stars; one submission).

Submission:

Labcorp Genetics (formerly Invitae), Labcorp
Classification: Uncertain significance. Last evaluated: 2021-09-04. Review status: criteria provided, single submitter. Criteria: Invitae Variant Classification Sherloc (09022015). Collection method: clinical testing. Allele origin: germline.
Comment: In summary, the available evidence is currently insufficient to determine the role of this variant in disease. Therefore, it has been classified as a Variant of Uncertain Significance. Algorithms developed to predict the effect of missense changes on protein structure and function are either unavailable or do not agree on the potential impact of this missense change (SIFT: "Deleterious"; PolyPhen-2: "Probably Damaging"; Align-GVGD: "Class C0"). This variant has not been reported in the literature in individuals affected with ACBD5-related conditions. This variant is not present in population databases (ExAC no frequency). This sequence change replaces arginine with glycine at codon 404 of the ACBD5 protein (p.Arg404Gly). The arginine residue is moderately conserved and there is a moderate physicochemical difference between arginine and glycine.